The following is an entry in ClinVar:

ClinVar aggregate classification (germline): Likely pathogenic. Review status: criteria provided, single submitter (1 of 4 stars). 2 submissions from 2 submitters: Likely pathogenic (1). 1 of the submissions does not count toward it. Last evaluated 2022-02-12.

Conditions:
Usher syndrome type 1B (USH1B). Also called: Usher syndrome type IB. Identifiers: MedGen C1848638, MONDO:0700087.

Allele frequency attached by ClinVar (database versions not stated): gnomAD exomes below 0.00001; TOPMed below 0.00001; ExAC 0.00001.
gnomAD v4.1: 3 of 1,613,024 alleles (0.00019%); highest among the groups gnomAD compares: Non-Finnish European, 0.00025%; no homozygotes.

Submissions (2):

Labcorp Genetics (formerly Invitae), Labcorp
Classification: Likely pathogenic. Last evaluated: 2022-02-12. Review status: criteria provided, single submitter. Criteria: Invitae Variant Classification Sherloc (09022015). Collection method: clinical testing. Allele origin: germline.
Comment: In summary, the currently available evidence indicates that the variant is pathogenic, but additional data are needed to prove that conclusively. Therefore, this variant has been classified as Likely Pathogenic. This variant disrupts the p.Pro1887 amino acid residue in MYO7A. Other variant(s) that disrupt this residue have been determined to be pathogenic (PMID: 10930322, 24194196, 25468891). This suggests that this residue is clinically significant, and that variants that disrupt this residue are likely to be disease-causing. Advanced modeling of protein sequence and biophysical properties (such as structural, functional, and spatial information, amino acid conservation, physicochemical variation, residue mobility, and thermodynamic stability) performed at Invitae indicates that this missense variant is expected to disrupt MYO7A protein function. This variant has not been reported in the literature in individuals affected with MYO7A-related conditions. This variant is present in population databases (rs779796704, gnomAD 0.0009%). This sequence change replaces proline, which is neutral and non-polar, with serine, which is neutral and polar, at codon 1887 of the MYO7A protein (p.Pro1887Ser).

Natera, Inc.
Classification: Uncertain significance for Usher syndrome type 1B. Last evaluated: 2025-01-04. Review status: no assertion criteria provided. Collection method: clinical testing. Allele origin: germline. Not counted in ClinVar's aggregate classification.

Literature cited by the submitters: PubMed 10930322 (cited by Labcorp Genetics (formerly Invitae), Labcorp); PubMed 24194196 (cited by Labcorp Genetics (formerly Invitae), Labcorp); PubMed 25468891 (cited by Labcorp Genetics (formerly Invitae), Labcorp).

NM_000260.4(MYO7A):c.5659C>T (p.Pro1887Ser)

Gene: MYO7A (myosin VIIA; plus strand). Cytogenetic location: 11q13.5.
Variant type: single nucleotide variant.
Coding change: c.5659C>T on transcript NM_000260.4 (MANE Select); coding-DNA position 5659, C replaced by T.
Protein change: p.Pro1887Ser; replaces proline 1887 with serine.
Molecular consequence: missense variant.
Genome position (GRCh38, 1-based): chr11:77,206,119, C>T. VCF-style: chr11-77206119-C-T. GRCh37 (hg19) VCF-style: chr11-76917164-C-T.
Other names: c.5545C>T, p.Pro1849Ser (NM_001127180.2); c.5512C>T, p.Pro1838Ser (NM_001369365.1); c.5659C>T (NM_000260.3); short protein forms P1838S, P1849S, P1887S.
Identifiers: ClinVar variation 2091560 (VCV002091560.5), dbSNP rs779796704, ClinGen allele CA6198787.